The following is an entry in ClinVar:

NM_000548.5(TSC2):c.4420A>G (p.Arg1474Gly)

Gene: TSC2 (TSC complex subunit 2; plus strand). Cytogenetic location: 16p13.3.
Variant type: single nucleotide variant.
Coding change: c.4420A>G on transcript NM_000548.5 (MANE Select); coding-DNA position 4420, A replaced by G.
Protein change: p.Arg1474Gly; replaces arginine 1474 with glycine.
Molecular consequence: missense variant.
Genome position (GRCh38, 1-based): chr16:2,084,642, A>G. VCF-style: chr16-2084642-A-G. GRCh37 (hg19) VCF-style: chr16-2134643-A-G.
Other names: c.4219A>G, p.Arg1407Gly (NM_001077183.3); c.4351A>G, p.Arg1451Gly (NM_001114382.3); c.4111A>G, p.Arg1371Gly (NM_001318827.2); c.4075A>G, p.Arg1359Gly (NM_001318829.2); c.3688A>G, p.Arg1230Gly (NM_001318831.2); c.4252A>G, p.Arg1418Gly (NM_001318832.2); c.4222A>G, p.Arg1408Gly (NM_001363528.2); c.4288A>G, p.Arg1430Gly (NM_001370404.1); and 1 more; short protein forms R1474G, R1430G, R1230G, R1371G, R1407G, R1418G, R1431G, R1451G.
Identifiers: ClinVar variation 406035 (VCV000406035.15), dbSNP rs766719443, ClinGen allele CA051088.

ClinVar aggregate classification (germline): Conflicting classifications of pathogenicity. Review status: criteria provided, conflicting classifications (1 of 4 stars). 3 submissions from 3 submitters: Uncertain significance (2); Likely benign (1). Last evaluated 2025-10-20.

Conditions:
Hereditary cancer-predisposing syndrome. Also called: Tumor predisposition; Neoplastic Syndromes, Hereditary; Hereditary Cancer Syndrome; Hereditary neoplastic syndrome. Identifiers: Orphanet 140162, MedGen C0027672, MeSH D009386, MONDO:0015356.
Tuberous sclerosis syndrome (TSC). Also called: Tuberous Sclerosis Complex; Tuberous sclerosis. Identifiers: Orphanet 805, MedGen C0041341, MONDO:0001734.
Tuberous sclerosis 2 (TSC2). Identifiers: Orphanet 805, MedGen C1860707, MONDO:0013199, OMIM 613254.

Allele frequency attached by ClinVar (database versions not stated): gnomAD exomes below 0.00001 and 0.00001; ExAC 0.00002.
gnomAD v4.1: 3 of 1,599,844 alleles (0.00019%); highest among the groups gnomAD compares: South Asian, 0.0022%; no homozygotes.

Submissions (3):

Labcorp Genetics (formerly Invitae), Labcorp
Classification: Likely benign for Tuberous sclerosis 2. Last evaluated: 2025-10-20. Review status: criteria provided, single submitter. Criteria: Invitae Variant Classification Sherloc (09022015). Collection method: clinical testing. Allele origin: germline.

Ambry Genetics
Classification: Uncertain significance for Hereditary cancer-predisposing syndrome. Last evaluated: 2024-04-26. Review status: criteria provided, single submitter. Criteria: Ambry Variant Classification Scheme 2023. Collection method: clinical testing. Allele origin: germline.
Comment: The p.R1474G variant (also known as c.4420A>G), located in coding exon 33 of the TSC2 gene, results from an A to G substitution at nucleotide position 4420. The arginine at codon 1474 is replaced by glycine, an amino acid with dissimilar properties. This alteration has been reported in an individual from a cohort of 1191 cancer index patients who underwent clinical evaluation and testing with multigene panels (Chan GHJ et al. Oncotarget, 2018 Jul;9:30649-30660). This amino acid position is well conserved in available vertebrate species. In addition, this alteration is predicted to be deleterious by in silico analysis. Based on the available evidence, the clinical significance of this variant remains unclear.

All of Us Research Program, National Institutes of Health
Classification: Uncertain significance for Tuberous sclerosis syndrome. Last evaluated: 2023-09-17. Review status: criteria provided, single submitter. Criteria: ACMG Guidelines, 2015. Collection method: clinical testing. Allele origin: germline. Inheritance: Autosomal dominant inheritance. Observed: 1 variant allele, 1 heterozygote.
Comment: This missense variant replaces arginine with glycine at codon 1474 of the TSC2 protein. Computational prediction is inconclusive regarding the impact of this variant on protein structure and function (internally defined REVEL score threshold 0.5 < inconclusive < 0.7, PMID: 27666373). To our knowledge, functional studies have not been reported for this variant. This variant has not been reported in individuals affected with TSC2-related disorders in the literature. This variant has been identified in 2/238010 chromosomes in the general population by the Genome Aggregation Database (gnomAD). The available evidence is insufficient to determine the role of this variant in disease conclusively. Therefore, this variant is classified as a Variant of Uncertain Significance.

This study involves interpretation of variants in research participants for the purpose of population health screening. Participant phenotype was not available at the time of variant classification. Additional details can be found in publication PMID: 35346344, PMCID: PMC8962531

Literature cited by the submitters: PubMed 30093976 (cited by Ambry Genetics).